The following is an entry in ClinVar:

ClinVar aggregate classification (germline): Conflicting classifications of pathogenicity. Review status: criteria provided, conflicting classifications (1 of 4 stars). 5 submissions from 5 submitters: Uncertain significance (1); Likely benign (4). Last evaluated 2025-12-22.

Conditions:
Hereditary cancer-predisposing syndrome. Also called: Neoplastic Syndromes, Hereditary; Hereditary neoplastic syndrome; Tumor predisposition; Hereditary Cancer Syndrome. Identifiers: Orphanet 140162, MedGen C0027672, MeSH D009386, MONDO:0015356.
Tuberous sclerosis 1 (TSC1). Identifiers: Orphanet 805, MedGen C1854465, MONDO:0008612, OMIM 191100.

Allele frequency attached by ClinVar (database versions not stated): gnomAD 0.00001; gnomAD exomes 0.00001 and 0.00003; TOPMed 0.00001.
gnomAD v4.1: 19 of 1,613,786 alleles (0.0012%); highest among the groups gnomAD compares: East Asian, 0.042%; no homozygotes.

Submissions (5):

Labcorp Genetics (formerly Invitae), Labcorp
Classification: Likely benign for Tuberous sclerosis 1. Last evaluated: 2025-12-22. Review status: criteria provided, single submitter. Criteria: Invitae Variant Classification Sherloc (09022015). Collection method: clinical testing. Allele origin: germline.

Myriad Genetics, Inc.
Classification: Likely benign for Tuberous sclerosis 1. Last evaluated: 2024-08-14. Review status: criteria provided, single submitter. Criteria: Myriad Autosomal Dominant, Autosomal Recessive and X-Linked Classification Criteria (2023). Collection method: clinical testing. Allele origin: unknown.
Comment: This variant is considered likely benign. This variant has been observed at a population frequency that is significantly greater than expected given the associated disease prevalence and penetrance.

Ambry Genetics
Classification: Likely benign for Hereditary cancer-predisposing syndrome. Last evaluated: 2023-02-17. Review status: criteria provided, single submitter. Criteria: Ambry Variant Classification Scheme 2023. Collection method: clinical testing. Allele origin: germline.

Genome-Nilou Lab
Classification: Uncertain significance for Tuberous sclerosis 1. Last evaluated: 2021-11-07. Review status: criteria provided, single submitter. Criteria: ACMG Guidelines, 2015. Collection method: clinical testing. Allele origin: germline. Affected: no.

GeneDx
Classification: Likely benign. Last evaluated: 2019-07-10. Review status: criteria provided, single submitter. Criteria: GeneDx Variant Classification Process June 2021. Collection method: clinical testing. Allele origin: germline. Affected: yes.
Comment: In silico analysis, which includes protein predictors and evolutionary conservation, supports that this variant does not alter protein structure/function; Has not been previously published as pathogenic or benign to our knowledge

NM_000368.5(TSC1):c.3016G>C (p.Gly1006Arg)

Gene: TSC1 (TSC complex subunit 1; minus strand). Cytogenetic location: 9q34.13.
Variant type: single nucleotide variant.
Coding change: c.3016G>C on transcript NM_000368.5 (MANE Select); coding-DNA position 3016, G replaced by C.
Protein change: p.Gly1006Arg; replaces glycine 1006 with arginine.
Molecular consequence: missense variant.
Genome position (GRCh38, 1-based): chr9:132,896,714, C>G on the plus strand (G>C on the coding strand, the complement: TSC1 is on the minus strand). VCF-style: chr9-132896714-C-G. GRCh37 (hg19) VCF-style: chr9-135772101-C-G.
Other names: c.3013G>C, p.Gly1005Arg (NM_001162426.2); c.2863G>C, p.Gly955Arg (NM_001162427.2); c.2653G>C, p.Gly885Arg (NM_001362177.2); short protein forms G955R, G1005R, G1006R, G885R.
Identifiers: ClinVar variation 662110 (VCV000662110.18), dbSNP rs1242948205, ClinGen allele CA375367890.
Genomic context (GRCh38, chr9:132,896,714, plus strand): 5'-CGCTGCTGGGCCTGGGGGTCTTGGTCTCACCGTTGTGGCCAGATGCCTCTTCATTGTGCC[C>G]TACCATGGAATCTGAGCACCCGTCATTACAACAGTCAAGCCTGTAAGAAAGCCGGGGAGG-3'
Protein context (NP_000359.1, residues 996-1016): CNDGCSDSMV[Gly1006Arg]HNEEASGHNG